The following is an entry in ClinVar:

NM_006231.4(POLE):c.578+1G>T

Gene: POLE (DNA polymerase epsilon, catalytic subunit; minus strand). Cytogenetic location: 12q24.33.
Variant type: single nucleotide variant.
Coding change: c.578+1G>T on transcript NM_006231.4 (MANE Select); the canonical splice donor site of the intron after coding-DNA position 578, G replaced by T.
Molecular consequence: splice donor variant.
Genome position (GRCh38, 1-based): chr12:132,679,496, C>A on the plus strand (G>T on the coding strand, the complement: POLE is on the minus strand). VCF-style: chr12-132679496-C-A. GRCh37 (hg19) VCF-style: chr12-133256082-C-A.
Identifiers: ClinVar variation 934246 (VCV000934246.10), dbSNP rs1565979631, ClinGen allele CA387366570.

ClinVar aggregate classification (germline): Likely pathogenic (1 of 4 stars; one submission).

gnomAD v4.1: 6 of 1,596,746 alleles (0.00038%); highest among the groups gnomAD compares: Non-Finnish European, 0.00051%; no homozygotes.

Submission:

Labcorp Genetics (formerly Invitae), Labcorp
Classification: Likely pathogenic. Last evaluated: 2022-05-12. Review status: criteria provided, single submitter. Criteria: Invitae Variant Classification Sherloc (09022015). Collection method: clinical testing. Allele origin: germline.
Comment: This sequence change affects a donor splice site in intron 6 of the POLE gene. It is expected to disrupt RNA splicing. Variants that disrupt the donor or acceptor splice site typically lead to a loss of protein function (PMID: 16199547), and loss-of-function variants in POLE are known to be pathogenic (PMID: 23230001, 25948378, 30503519). This variant is not present in population databases (gnomAD no frequency). This variant has not been reported in the literature in individuals affected with POLE-related conditions. ClinVar contains an entry for this variant (Variation ID: 934246). Algorithms developed to predict the effect of sequence changes on RNA splicing suggest that this variant may disrupt the consensus splice site. In summary, the currently available evidence indicates that the variant is pathogenic, but additional data are needed to prove that conclusively. Therefore, this variant has been classified as Likely Pathogenic.

Literature cited by the submitters: PubMed 16199547; PubMed 23230001; PubMed 25948378; PubMed 30503519.